The following is an entry in ClinVar:

ClinVar aggregate classification (germline): Uncertain significance (1 of 4 stars; one submission).

Submission:

Labcorp Genetics (formerly Invitae), Labcorp
Classification: Uncertain significance. Last evaluated: 2023-06-29. Review status: criteria provided, single submitter. Criteria: Invitae Variant Classification Sherloc (09022015). Collection method: clinical testing. Allele origin: germline.
Comment: In summary, the available evidence is currently insufficient to determine the role of this variant in disease. Therefore, it has been classified as a Variant of Uncertain Significance. An algorithm developed to predict the effect of missense changes on protein structure and function (PolyPhen-2) suggests that this variant is likely to be tolerated. This variant has not been reported in the literature in individuals affected with NSMCE2-related conditions. This variant is not present in population databases (gnomAD no frequency). This sequence change replaces aspartic acid, which is acidic and polar, with asparagine, which is neutral and polar, at codon 192 of the NSMCE2 protein (p.Asp192Asn).

NM_173685.4(NSMCE2):c.574G>A (p.Asp192Asn)

Gene: NSMCE2 (NSE2 SUMO ligase component of SMC5/6 complex; plus strand). Cytogenetic location: 8q24.13.
Variant type: single nucleotide variant.
Coding change: c.574G>A on transcript NM_173685.4 (MANE Select); coding-DNA position 574, G replaced by A.
Protein change: p.Asp192Asn; replaces aspartic acid 192 with asparagine.
Molecular consequence: missense variant. On other transcripts: non-coding transcript variant (1).
Genome position (GRCh38, 1-based): chr8:125,357,766, G>A. VCF-style: chr8-125357766-G-A. GRCh37 (hg19) VCF-style: chr8-126370008-G-A.
Other names: c.574G>A, p.Asp192Asn (NM_001349485.2, NM_001349486.2); short protein forms D192N.
Identifiers: ClinVar variation 2855274 (VCV002855274.3), dbSNP rs2538529605, ClinGen allele CA372271026.